The following is an entry in ClinVar:

ClinVar aggregate classification (germline): Uncertain significance (1 of 4 stars; one submission).

gnomAD v4.1: 5 of 1,536,114 alleles (0.00033%); highest among the groups gnomAD compares: Admixed American, 0.002%; no homozygotes.

Submission:

Dasa
Classification: Uncertain significance. Last evaluated: 2026-05-04. Review status: criteria provided, single submitter. Criteria: DASA Assertion Criteria. Collection method: clinical testing. Allele origin: germline.
Comment: NM_001378183.1(PIEZO2):c.1704T>G (p.Ile568Met) is a missense variant that results in the substitution of isoleucine with methionine. This variant is rare in population databases. The currently available literature and clinical evidence are not sufficient to establish a definitive association between this variant and the reported condition. Therefore, this variant is classified as a variant of uncertain significance.

NM_001378183.1(PIEZO2):c.1704T>G (p.Ile568Met)

Gene: PIEZO2 (piezo type mechanosensitive ion channel component 2; minus strand). Cytogenetic location: 18p11.22.
Variant type: single nucleotide variant.
Coding change: c.1704T>G on transcript NM_001378183.1 (MANE Select); coding-DNA position 1704, T replaced by G.
Protein change: p.Ile568Met; replaces isoleucine 568 with methionine.
Molecular consequence: missense variant.
Genome position (GRCh38, 1-based): chr18:10,794,826, A>C on the plus strand (T>G on the coding strand, the complement: PIEZO2 is on the minus strand). VCF-style: chr18-10794826-A-C. GRCh37 (hg19) VCF-style: chr18-10794824-A-C.
Other names: c.1704T>G, p.Ile568Met (NM_001410871.1, NM_022068.4); short protein forms I568M.
Identifiers: ClinVar variation 5020629 (VCV005020629.1).
Genomic context (GRCh38, chr18:10,794,826, plus strand): 5'-ACTTACTTTGGAAGCAAGTTCTCCTGGCTCTTTCTTTTCTAAAAATCCTGGAACTTTTTT[A>C]ATTTCAGGAAGTTCAAAACTCCATATATACTGTAATATCAACAATAGGTTTCCATAAACC-3'
Protein context (NP_001365112.1, residues 558-578): QYIWSFELPE[Ile568Met]KKVPGFLEKK